The following is an entry in ClinVar:

ClinVar aggregate classification (germline): Uncertain significance (1 of 4 stars; one submission).

Conditions:
Osteogenesis imperfecta type I (OI1). Also called: Lobstein's Disease; Lobstein disease; OI, TYPE I; OSTEOGENESIS IMPERFECTA TARDA; OSTEOGENESIS IMPERFECTA WITH BLUE SCLERAE; Osteogenesis imperfecta type 1. Identifiers: Orphanet 216796, Orphanet 666, MedGen C0023931, MONDO:0008146, OMIM 166200. Disease mechanism: loss of function.

gnomAD v4.1: 1 of 1,611,396 alleles (0.000062%); highest among the groups gnomAD compares: Non-Finnish European, 0.000085%; no homozygotes.

Submission:

Labcorp Genetics (formerly Invitae), Labcorp
Classification: Uncertain significance for Osteogenesis imperfecta type I. Last evaluated: 2025-09-14. Review status: criteria provided, single submitter. Criteria: Invitae Variant Classification Sherloc (09022015). Collection method: clinical testing. Allele origin: germline.
Comment: This sequence change replaces lysine, which is basic and polar, with arginine, which is basic and polar, at codon 862 of the COL1A1 protein (p.Lys862Arg). This variant is not present in population databases (gnomAD no frequency). This variant has not been reported in the literature in individuals affected with COL1A1-related conditions. ClinVar contains an entry for this variant (Variation ID: 3706497). Invitae Evidence Modeling of protein sequence and biophysical properties (such as structural, functional, and spatial information, amino acid conservation, physicochemical variation, residue mobility, and thermodynamic stability) has been performed for this missense variant. However, the output from this modeling did not meet the statistical confidence thresholds required to predict the impact of this variant on COL1A1 protein function. In summary, the available evidence is currently insufficient to determine the role of this variant in disease. Therefore, it has been classified as a Variant of Uncertain Significance.

NM_000088.4(COL1A1):c.2585A>G (p.Lys862Arg)

Gene: COL1A1 (collagen type I alpha 1 chain; minus strand). Cytogenetic location: 17q21.33.
Variant type: single nucleotide variant.
Coding change: c.2585A>G on transcript NM_000088.4 (MANE Select); coding-DNA position 2585, A replaced by G.
Protein change: p.Lys862Arg; replaces lysine 862 with arginine.
Molecular consequence: missense variant.
Genome position (GRCh38, 1-based): chr17:50,189,887, T>C on the plus strand (A>G on the coding strand, the complement: COL1A1 is on the minus strand). VCF-style: chr17-50189887-T-C. GRCh37 (hg19) VCF-style: chr17-48267248-T-C.
Other names: short protein forms K862R.
Identifiers: ClinVar variation 3706497 (VCV003706497.2).